The following is an entry in ClinVar:

ClinVar aggregate classification (germline): Likely benign. Review status: criteria provided, multiple submitters, no conflicts (2 of 4 stars). 3 submissions from 3 submitters: Likely benign (3). Last evaluated 2025-12-23.

Conditions:
FHOD3-related disorder. Also called: FHOD3-related condition.

gnomAD v4.1: 1,490 of 1,535,784 alleles (0.097%); highest among the groups gnomAD compares: Non-Finnish European, 0.12%; no homozygotes.

Submissions (3):

PreventionGenetics, part of Exact Sciences
Classification: Likely benign for FHOD3-related condition. Last evaluated: 2025-12-23. Review status: criteria provided, single submitter. Criteria: ACMG Guidelines, 2015. Collection method: clinical testing. Allele origin: germline.
Comment: This variant is classified as likely benign based on ACMG/AMP sequence variant interpretation guidelines (Richards et al. 2015 PMID: 25741868, with internal and published modifications).

Molecular Diagnostic Laboratory for Inherited Cardiovascular Disease, Montreal Heart Institute
Classification: Likely benign. Last evaluated: 2025-04-09. Review status: criteria provided, single submitter. Criteria: ACMG Guidelines, 2015. Collection method: clinical testing. Allele origin: germline. Affected: no.

Blueprint Genetics
Classification: Likely benign. Last evaluated: 2024-10-24. Review status: criteria provided, single submitter. Criteria: ACMG Guidelines, 2015. Collection method: clinical testing. Allele origin: germline.

NM_001281740.3(FHOD3):c.1390C>T (p.Leu464Phe)

Gene: FHOD3 (formin homology 2 domain containing 3; plus strand). Cytogenetic location: 18q12.2.
Variant type: single nucleotide variant.
Coding change: c.1390C>T on transcript NM_001281740.3 (MANE Select); coding-DNA position 1390, C replaced by T.
Protein change: p.Leu464Phe; replaces leucine 464 with phenylalanine.
Molecular consequence: missense variant. On other transcripts: intron variant (2).
Genome position (GRCh38, 1-based): chr18:36,652,673, C>T. VCF-style: chr18-36652673-C-T. GRCh37 (hg19) VCF-style: chr18-34232636-C-T.
Other names: c.1390C>T (NM_001281740.2); c.1197-5402C>T (NM_025135.5, NM_001281739.3); short protein forms L464F.
Identifiers: ClinVar variation 3894905 (VCV003894905.3), dbSNP rs537846267.